The following is an entry in ClinVar:

NM_001291303.3(FAT4):c.9600C>G (p.Asp3200Glu)

Gene: FAT4 (FAT atypical cadherin 4; plus strand). Cytogenetic location: 4q28.1.
Variant type: single nucleotide variant.
Coding change: c.9600C>G on transcript NM_001291303.3 (MANE Select); coding-DNA position 9600, C replaced by G.
Protein change: p.Asp3200Glu; replaces aspartic acid 3200 with glutamic acid.
Molecular consequence: missense variant.
Genome position (GRCh38, 1-based): chr4:125,450,610, C>G. VCF-style: chr4-125450610-C-G. GRCh37 (hg19) VCF-style: chr4-126371765-C-G.
Other names: c.9594C>G (NM_024582.4); c.9600C>G, p.Asp3200Glu (NM_001291285.3); c.9594C>G, p.Asp3198Glu (NM_024582.6); short protein forms D3200E, D3198E.
Identifiers: ClinVar variation 2051105 (VCV002051105.5), dbSNP rs1403937201, ClinGen allele CA358152735.

ClinVar aggregate classification (germline): Conflicting classifications of pathogenicity. Review status: criteria provided, conflicting classifications (1 of 4 stars). 2 submissions from 2 submitters: Uncertain significance (1); Likely benign (1). Last evaluated 2026-06-23.

Conditions:
Inborn genetic diseases. Identifiers: MedGen C0950123, MeSH D030342.

Allele frequency attached by ClinVar (database versions not stated): gnomAD 0.00001; gnomAD exomes below 0.00001.
gnomAD v4.1: 7 of 1,614,002 alleles (0.00043%); highest among the groups gnomAD compares: Admixed American, 0.0033%; no homozygotes.

Submissions (2):

Ambry Genetics
Classification: Likely benign for Inborn genetic diseases. Last evaluated: 2026-06-23. Review status: criteria provided, single submitter. Criteria: Ambry Variant Classification Scheme 2023. Collection method: clinical testing. Allele origin: germline.

Labcorp Genetics (formerly Invitae), Labcorp
Classification: Uncertain significance. Last evaluated: 2024-11-06. Review status: criteria provided, single submitter. Criteria: Invitae Variant Classification Sherloc (09022015). Collection method: clinical testing. Allele origin: germline.
Comment: This sequence change replaces aspartic acid, which is acidic and polar, with glutamic acid, which is acidic and polar, at codon 3198 of the FAT4 protein (p.Asp3198Glu). This variant is present in population databases (no rsID available, gnomAD 0.007%). This variant has not been reported in the literature in individuals affected with FAT4-related conditions. ClinVar contains an entry for this variant (Variation ID: 2051105). Invitae Evidence Modeling of protein sequence and biophysical properties (such as structural, functional, and spatial information, amino acid conservation, physicochemical variation, residue mobility, and thermodynamic stability) indicates that this missense variant is not expected to disrupt FAT4 protein function with a negative predictive value of 95%. In summary, the available evidence is currently insufficient to determine the role of this variant in disease. Therefore, it has been classified as a Variant of Uncertain Significance.